The following is an entry in ClinVar:

NM_005033.3(EXOSC9):c.134G>C (p.Cys45Ser)

Gene: EXOSC9 (exosome component 9; plus strand). Cytogenetic location: 4q27.
Variant type: single nucleotide variant.
Coding change: c.134G>C on transcript NM_005033.3 (MANE Select); coding-DNA position 134, G replaced by C.
Protein change: p.Cys45Ser; replaces cysteine 45 with serine.
Molecular consequence: missense variant.
Genome position (GRCh38, 1-based): chr4:121,801,894, G>C. VCF-style: chr4-121801894-G-C. GRCh37 (hg19) VCF-style: chr4-122723049-G-C.
Other names: c.134G>C, p.Cys45Ser (NM_001034194.2); short protein forms C45S.
Identifiers: ClinVar variation 2116678 (VCV002116678.4), dbSNP rs545738309, ClinGen allele CA358041565.

ClinVar aggregate classification (germline): Uncertain significance (1 of 4 stars; one submission).

Submission:

Labcorp Genetics (formerly Invitae), Labcorp
Classification: Uncertain significance. Last evaluated: 2022-03-25. Review status: criteria provided, single submitter. Criteria: Invitae Variant Classification Sherloc (09022015). Collection method: clinical testing. Allele origin: germline.
Comment: In summary, the available evidence is currently insufficient to determine the role of this variant in disease. Therefore, it has been classified as a Variant of Uncertain Significance. Algorithms developed to predict the effect of missense changes on protein structure and function are either unavailable or do not agree on the potential impact of this missense change (SIFT: "Deleterious"; PolyPhen-2: "Benign"; Align-GVGD: "Class C0"). This variant has not been reported in the literature in individuals affected with EXOSC9-related conditions. This variant is not present in population databases (gnomAD no frequency). This sequence change replaces cysteine, which is neutral and slightly polar, with serine, which is neutral and polar, at codon 45 of the EXOSC9 protein (p.Cys45Ser).